The following is an entry in ClinVar:

NM_012470.4(TNPO3):c.1359-159A>G

Gene: TNPO3 (transportin 3; minus strand). Cytogenetic location: 7q32.1.
Variant type: single nucleotide variant.
Coding change: c.1359-159A>G on transcript NM_012470.4 (MANE Select); 159 bases into the intron before coding-DNA position 1359, A replaced by G.
Molecular consequence: intron variant.
Genome position (GRCh38, 1-based): chr7:128,990,259, T>C on the plus strand (A>G on the coding strand, the complement: TNPO3 is on the minus strand). VCF-style: chr7-128990259-T-C. GRCh37 (hg19) VCF-style: chr7-128630313-T-C.
Other names: NC_000007.13:g.128630313T>C; c.1215-159A>G (NM_001382221.1); c.1212-159A>G (NM_001382222.1); c.1251-159A>G (NM_001382219.1); c.1359-159A>G (NM_001382223.1, NM_001191028.3, NM_001382220.1 and 1 more transcripts); c.1359-57A>G (NM_001382216.1); c.1440-159A>G (NM_001382217.1).
Identifiers: ClinVar variation 670777 (VCV000670777.3), dbSNP rs6969930, ClinGen allele CA15492186.

ClinVar aggregate classification (germline): Benign. Review status: criteria provided, multiple submitters, no conflicts (2 of 4 stars). 2 submissions from 2 submitters: Benign (2). Last evaluated 2018-06-14.

Allele frequency attached by ClinVar (database versions not stated): 1000 Genomes Project 0.54992; gnomAD 0.58914 and 0.59075; gnomAD exomes 0.60411; 1000 Genomes Project 30x 0.54700; TOPMed 0.58409.

Submissions (3):

GeneDx
Classification: Benign. Last evaluated: 2018-06-14. Review status: criteria provided, single submitter. Criteria: GeneDx Variant Classification (06012015). Collection method: clinical testing. Allele origin: germline. Affected: yes.
Comment: This variant is considered likely benign or benign based on one or more of the following criteria: it is a conservative change, it occurs at a poorly conserved position in the protein, it is predicted to be benign by multiple in silico algorithms, and/or has population frequency not consistent with disease.

Breakthrough Genomics
Classification: Benign. Review status: criteria provided, single submitter. Criteria: ACMG Guidelines, 2015. Collection method: not provided. Allele origin: germline. Inheritance: Autosomal dominant inheritance. Affected: yes.

Dr. Peter K. Rogan Lab, Western University
No classification provided (evidence only). Condition: Malignant lymphoma, large B-cell, diffuse. Review status: no classification provided. Collection method: in vitro. Allele origin: not applicable. Functional consequence: retained intron. Not counted in ClinVar's aggregate classification.